The following is an entry in ClinVar:

NM_000038.6(APC):c.2397T>A (p.Tyr799Ter)

Gene: APC (APC regulator of Wnt signaling pathway; plus strand). Cytogenetic location: 5q22.2.
Variant type: single nucleotide variant.
Coding change: c.2397T>A on transcript NM_000038.6 (MANE Select); coding-DNA position 2397, T replaced by A.
Protein change: p.Tyr799Ter; replaces tyrosine 799 with a stop codon.
Molecular consequence: nonsense.
Genome position (GRCh38, 1-based): chr5:112,837,991, T>A. VCF-style: chr5-112837991-T-A. GRCh37 (hg19) VCF-style: chr5-112173688-T-A.
Other names: c.2397T>A, p.Tyr799Ter (NM_001127510.3, NM_001354895.2, NM_001407450.1); c.2343T>A, p.Tyr781Ter (NM_001127511.3); c.2451T>A, p.Tyr817Ter (NM_001354896.2, NM_001407447.1, NM_001407448.1 and 1 more transcripts); c.2427T>A, p.Tyr809Ter (NM_001354897.2); c.2322T>A, p.Tyr774Ter (NM_001354898.2); c.2313T>A, p.Tyr771Ter (NM_001354899.2); c.2274T>A, p.Tyr758Ter (NM_001354900.2); c.2220T>A, p.Tyr740Ter (NM_001354901.2, NM_001407453.1); and 11 more; short protein forms Y716*, Y774*, Y799*, Y516*, Y639*, Y670*, Y673*, Y740*.
Identifiers: ClinVar variation 1790641 (VCV001790641.7), dbSNP rs1765170817, ClinGen allele CA16026599.
Genomic context (GRCh38, chr5:112,837,991, plus strand): 5'-AAGTCCCAAGGCATCTCATCGTAGTAAGCAGAGACACAAGCAAAGTCTCTATGGTGATTA[T>A]GTTTTTGACACCAATCGACATGATGATAATAGGTCAGACAATTTTAATACTGGCAACATG-3'

ClinVar aggregate classification (germline): Pathogenic. Review status: criteria provided, multiple submitters, no conflicts (2 of 4 stars). 2 submissions from 2 submitters: Pathogenic (2). Last evaluated 2022-09-15.

Conditions:
Hereditary cancer-predisposing syndrome. Also called: Hereditary Cancer Syndrome; Hereditary neoplastic syndrome; Tumor predisposition; Neoplastic Syndromes, Hereditary. Identifiers: Orphanet 140162, MedGen C0027672, MeSH D009386, MONDO:0015356.
Familial adenomatous polyposis 1 (FAP1). Also called: FAMILIAL ADENOMATOUS POLYPOSIS 1, ATTENUATED; POLYPOSIS, ADENOMATOUS INTESTINAL. Identifiers: MedGen C2713442, MONDO:0021056, OMIM 175100. Disease mechanism: loss of function.

Submissions (2):

Labcorp Genetics (formerly Invitae), Labcorp
Classification: Pathogenic for Familial adenomatous polyposis 1. Last evaluated: 2022-09-15. Review status: criteria provided, single submitter. Criteria: Invitae Variant Classification Sherloc (09022015). Collection method: clinical testing. Allele origin: germline.
Comment: This sequence change creates a premature translational stop signal (p.Tyr799*) in the APC gene. While this is not anticipated to result in nonsense mediated decay, it is expected to disrupt the last 2045 amino acid(s) of the APC protein. This variant is not present in population databases (gnomAD no frequency). This premature translational stop signal has been observed in individual(s) with familial adenomatous polyposis (PMID: 15024739, 20434453). A different truncation (p.Tyr2645Lysfs*14) that lies downstream of this variant has been determined to be pathogenic (PMID: 9824584, 1316610, 27081525, 8381579, 22135120, Invitae). This suggests that deletion of this region of the APC protein is causative of disease. For these reasons, this variant has been classified as Pathogenic. This variant is expected to disrupt the EB1 and HDLG binding sites, which mediate interactions with the cytoskeleton (PMID: 15311282, 17293347). While functional studies have not been performed to directly test the effect on APC protein function, this suggests that disruption of the C-terminal portion of the protein is functionally important.

Ambry Genetics
Classification: Pathogenic for Hereditary cancer-predisposing syndrome. Last evaluated: 2018-09-19. Review status: criteria provided, single submitter. Criteria: Ambry Variant Classification Scheme 2023. Collection method: clinical testing. Allele origin: germline.
Comment: The p.Y799* pathogenic mutation (also known as c.2397T>A), located in coding exon 15 of the APC gene, results from a T to A substitution at nucleotide position 2397. This changes the amino acid from a tyrosine to a stop codon within coding exon 15. This mutation has been reported in multiple families with familial adenomatous polyposis (Rivera B et al. Ann. Oncol. 2011 Apr;22(4):903-9; Castellsagu&eacute; E Gastroenterology 2010 Aug;139(2):439-47, 447.e1; Vandrovcov&aacute; J et al. Hum. Mutat. 2004 Apr;23(4):397). This alteration is expected to result in loss of function by premature protein truncation or nonsense-mediated mRNA decay. As such, this alteration is interpreted as a disease-causing mutation.

Literature cited by the submitters: PubMed 15024739 (cited by Labcorp Genetics (formerly Invitae), Labcorp); PubMed 20434453 (cited by Labcorp Genetics (formerly Invitae), Labcorp); PubMed 9824584 (cited by Labcorp Genetics (formerly Invitae), Labcorp); PubMed 1316610 (cited by Labcorp Genetics (formerly Invitae), Labcorp); PubMed 27081525 (cited by Labcorp Genetics (formerly Invitae), Labcorp); PubMed 8381579 (cited by Labcorp Genetics (formerly Invitae), Labcorp); PubMed 22135120 (cited by Labcorp Genetics (formerly Invitae), Labcorp); PubMed 15311282 (cited by Labcorp Genetics (formerly Invitae), Labcorp); PubMed 17293347 (cited by Labcorp Genetics (formerly Invitae), Labcorp).